The following is an entry in ClinVar:

NM_001429.4(EP300):c.6657C>T (p.Tyr2219=)

Gene: EP300 (EP300 lysine acetyltransferase; plus strand). Cytogenetic location: 22q13.2.
Variant type: single nucleotide variant.
Coding change: c.6657C>T on transcript NM_001429.4 (MANE Select); coding-DNA position 6657, C replaced by T.
Protein change: p.Tyr2219=; no amino-acid change (tyrosine 2219 retained).
Molecular consequence: synonymous variant.
Genome position (GRCh38, 1-based): chr22:41,178,368, C>T. VCF-style: chr22-41178368-C-T. GRCh37 (hg19) VCF-style: chr22-41574372-C-T.
Other names: c.6579C>T, p.Tyr2193= (NM_001362843.2); c.6657C>T (NM_001429.3).
Identifiers: ClinVar variation 1556588 (VCV001556588.10), dbSNP rs2145521664, ClinGen allele CA514794515.

ClinVar aggregate classification (germline): Likely benign. Review status: criteria provided, multiple submitters, no conflicts (2 of 4 stars). 2 submissions from 2 submitters: Likely benign (2). Last evaluated 2025-02-26.

Conditions:
Rubinstein-Taybi syndrome due to EP300 haploinsufficiency. Also called: RUBINSTEIN-TAYBI SYNDROME 2; EP300-Related Rubinstein-Taybi Syndrome. Identifiers: Orphanet 353284, Orphanet 783, MedGen C3150941, MONDO:0013364, OMIM 613684.
EP300-related disorder. Also called: EP300-related disorders; EP300-related condition.

Allele frequency attached by ClinVar (database versions not stated): gnomAD exomes below 0.00001.

Submissions (2):

PreventionGenetics, part of Exact Sciences
Classification: Likely benign for EP300-related condition. Last evaluated: 2025-02-26. Review status: criteria provided, single submitter. Criteria: ACMG Guidelines, 2015. Collection method: clinical testing. Allele origin: germline.
Comment: This variant is classified as likely benign based on ACMG/AMP sequence variant interpretation guidelines (Richards et al. 2015 PMID: 25741868, with internal and published modifications).

Labcorp Genetics (formerly Invitae), Labcorp
Classification: Likely benign for Rubinstein-Taybi syndrome due to EP300 haploinsufficiency. Last evaluated: 2021-05-04. Review status: criteria provided, single submitter. Criteria: Invitae Variant Classification Sherloc (09022015). Collection method: clinical testing. Allele origin: germline.